The following is an entry in ClinVar:

ClinVar aggregate classification (germline): Uncertain significance (1 of 4 stars; one submission).

Conditions:
ALG11-congenital disorder of glycosylation. Also called: CONGENITAL DISORDER OF GLYCOSYLATION, TYPE Ip; ALG11-CDG. Identifiers: Orphanet 280071, MedGen C3150913, MONDO:0013349, OMIM 613661.

Allele frequency attached by ClinVar (database versions not stated): TOPMed below 0.00001; gnomAD 0.00001.
gnomAD v4.1: 1 of 1,614,040 alleles (0.000062%); highest among the groups gnomAD compares: Non-Finnish European, 0.000085%; no homozygotes.

Submission:

Labcorp Genetics (formerly Invitae), Labcorp
Classification: Uncertain significance for ALG11-congenital disorder of glycosylation. Last evaluated: 2022-10-05. Review status: criteria provided, single submitter. Criteria: Invitae Variant Classification Sherloc (09022015). Collection method: clinical testing. Allele origin: germline.
Comment: In summary, the available evidence is currently insufficient to determine the role of this variant in disease. Therefore, it has been classified as a Variant of Uncertain Significance. Advanced modeling of protein sequence and biophysical properties (such as structural, functional, and spatial information, amino acid conservation, physicochemical variation, residue mobility, and thermodynamic stability) performed at Invitae indicates that this missense variant is not expected to disrupt ALG11 protein function. This sequence change replaces proline, which is neutral and non-polar, with alanine, which is neutral and non-polar, at codon 316 of the ALG11 protein (p.Pro316Ala). This variant is not present in population databases (gnomAD no frequency). ClinVar contains an entry for this variant (Variation ID: 1398034). This variant has not been reported in the literature in individuals affected with ALG11-related conditions.

NM_001004127.3(ALG11):c.946C>G (p.Pro316Ala)

Gene: ALG11 (ALG11 alpha-1,2-mannosyltransferase; plus strand). Cytogenetic location: 13q14.3.
Variant type: single nucleotide variant.
Coding change: c.946C>G on transcript NM_001004127.3 (MANE Select); coding-DNA position 946, C replaced by G.
Protein change: p.Pro316Ala; replaces proline 316 with alanine.
Molecular consequence: missense variant.
Genome position (GRCh38, 1-based): chr13:52,024,676, C>G. VCF-style: chr13-52024676-C-G. GRCh37 (hg19) VCF-style: chr13-52598812-C-G.
Other names: short protein forms P316A.
Identifiers: ClinVar variation 1398034 (VCV001398034.7), dbSNP rs765431074, ClinGen allele CA250066204.